The following is an entry in ClinVar:

NM_032043.3(BRIP1):c.1347A>G (p.Leu449=)

Gene: BRIP1 (BRCA1 interacting DNA helicase 1; minus strand). Cytogenetic location: 17q23.2.
Variant type: single nucleotide variant.
Coding change: c.1347A>G on transcript NM_032043.3 (MANE Select); coding-DNA position 1347, A replaced by G.
Protein change: p.Leu449=; no amino-acid change (leucine 449 retained).
Molecular consequence: synonymous variant.
Genome position (GRCh38, 1-based): chr17:61,793,723, T>C on the plus strand (A>G on the coding strand, the complement: BRIP1 is on the minus strand). VCF-style: chr17-61793723-T-C. GRCh37 (hg19) VCF-style: chr17-59871084-T-C.
Identifiers: ClinVar variation 2951370 (VCV002951370.5), dbSNP rs2545108577, ClinGen allele CA501151326.

ClinVar aggregate classification (germline): Benign/Likely benign. Review status: criteria provided, multiple submitters, no conflicts (2 of 4 stars). 3 submissions from 3 submitters: Benign (1); Likely benign (2). Last evaluated 2025-01-14.

Conditions:
Familial cancer of breast. Also called: BREAST CANCER, FAMILIAL; hereditary breast carcinoma; Hereditary breast cancer. Identifiers: Orphanet 227535, MedGen C0346153, MONDO:0016419, OMIM 114480. Disease mechanism: loss of function.
Fanconi anemia complementation group J. Also called: BRIP1-Related Fanconi Anemia. Identifiers: Orphanet 84, MedGen C1836860, MONDO:0012187, OMIM 609054.
Hereditary cancer-predisposing syndrome. Also called: Tumor predisposition; Hereditary Cancer Syndrome; Neoplastic Syndromes, Hereditary; Hereditary neoplastic syndrome. Identifiers: Orphanet 140162, MedGen C0027672, MeSH D009386, MONDO:0015356.

Allele frequency attached by ClinVar (database versions not stated): gnomAD exomes below 0.00001.
gnomAD v4.1: 1 of 1,609,826 alleles (0.000062%); highest among the groups gnomAD compares: Non-Finnish European, 0.000085%; no homozygotes.

Submissions (3):

Ambry Genetics
Classification: Likely benign for Hereditary cancer-predisposing syndrome. Last evaluated: 2025-01-14. Review status: criteria provided, single submitter. Criteria: Ambry Variant Classification Scheme 2023. Collection method: clinical testing. Allele origin: germline.

Myriad Genetics, Inc.
Classification: Benign for Familial cancer of breast. Last evaluated: 2024-08-27. Review status: criteria provided, single submitter. Criteria: Myriad Autosomal Dominant, Autosomal Recessive and X-Linked Classification Criteria (2023). Collection method: clinical testing. Allele origin: unknown.
Comment: This variant is considered benign. This variant is a silent/synonymous amino acid change and it is not expected to impact splicing.

Labcorp Genetics (formerly Invitae), Labcorp
Classification: Likely benign for Familial cancer of breast; Fanconi anemia complementation group J. Last evaluated: 2023-11-21. Review status: criteria provided, single submitter. Criteria: Invitae Variant Classification Sherloc (09022015). Collection method: clinical testing. Allele origin: germline.